The following is an entry in ClinVar:

NM_001613.4(ACTA2):c.316C>T (p.Leu106=)

Gene: ACTA2 (actin alpha 2, smooth muscle; minus strand). Cytogenetic location: 10q23.31.
Variant type: single nucleotide variant.
Coding change: c.316C>T on transcript NM_001613.4 (MANE Select); coding-DNA position 316, C replaced by T.
Protein change: p.Leu106=; no amino-acid change (leucine 106 retained).
Molecular consequence: synonymous variant. On other transcripts: intron variant (1).
Genome position (GRCh38, 1-based): chr10:88,943,850, G>A on the plus strand (C>T on the coding strand, the complement: ACTA2 is on the minus strand). VCF-style: chr10-88943850-G-A. GRCh37 (hg19) VCF-style: chr10-90703607-G-A.
Other names: c.316C>T, p.Leu106= (NM_001141945.3, NM_001320855.2, NM_001406462.1 and 3 more transcripts); c.187C>T, p.Leu63= (NM_001406467.1, NM_001406468.1, NM_001406469.1); c.259-1981C>T (NM_001406466.1).
Identifiers: ClinVar variation 3071572 (VCV003071572.2), dbSNP rs2494554827, ClinGen allele CA470735494.

ClinVar aggregate classification (germline): Likely benign (1 of 4 stars; one submission).

Conditions:
Familial thoracic aortic aneurysm and aortic dissection (TAAD). Also called: Thoracic aortic aneurysms and dissections. Identifiers: Orphanet 91387, MedGen C4707243, MONDO:0019625.

Submission:

All of Us Research Program, National Institutes of Health
Classification: Likely benign for Familial thoracic aortic aneurysm and aortic dissection. Last evaluated: 2024-04-16. Review status: criteria provided, single submitter. Criteria: ACMG Guidelines, 2015. Collection method: clinical testing. Allele origin: germline. Inheritance: Autosomal dominant inheritance. Observed: 3 variant alleles, 3 heterozygotes.
Comment: This study involves interpretation of variants in research participants for the purpose of population health screening. Participant phenotype was not available at the time of variant classification. Additional details can be found in publication PMID: 35346344, PMCID: PMC8962531